The following is an entry in ClinVar:

ClinVar aggregate classification (germline): Uncertain significance. Review status: criteria provided, single submitter (1 of 4 stars). 2 submissions from 2 submitters: Uncertain significance (1). 1 of the submissions does not count toward it. Last evaluated 2024-03-22.

Conditions:
X-linked dystonia-parkinsonism (DYT3). Also called: Lubag; DYT-TAF1; TORSION DYSTONIA-PARKINSONISM, FILIPINO TYPE. Identifiers: Orphanet 53351, MedGen C1839130, MONDO:0010747, OMIM 314250.

Submissions (2):

Labcorp Genetics (formerly Invitae), Labcorp
Classification: Uncertain significance. Last evaluated: 2024-03-22. Review status: criteria provided, single submitter. Criteria: Invitae Variant Classification Sherloc (09022015). Collection method: clinical testing. Allele origin: germline.
Comment: This sequence change replaces aspartic acid, which is acidic and polar, with alanine, which is neutral and non-polar, at codon 1496 of the TAF1 protein (p.Asp1496Ala). This variant is not present in population databases (gnomAD no frequency). This variant has not been reported in the literature in individuals affected with TAF1-related conditions. ClinVar contains an entry for this variant (Variation ID: 417915). An algorithm developed to predict the effect of missense changes on protein structure and function (PolyPhen-2) suggests that this variant is likely to be tolerated. In summary, the available evidence is currently insufficient to determine the role of this variant in disease. Therefore, it has been classified as a Variant of Uncertain Significance.

Division of Human Genetics, Children's Hospital of Philadelphia
Classification: Uncertain significance for X-linked dystonia-parkinsonism. Last evaluated: 2016-08-22. Review status: no assertion criteria provided. Collection method: research. Allele origin: maternal. Affected: yes. Study: CSER-PediSeq. Not counted in ClinVar's aggregate classification.

NM_004606.5(TAF1):c.4427A>C (p.Asp1476Ala)

Gene: TAF1 (TATA-box binding protein associated factor 1; plus strand). Cytogenetic location: Xq13.1.
Variant type: single nucleotide variant.
Coding change: c.4427A>C on transcript NM_004606.5 (MANE Select); coding-DNA position 4427, A replaced by C.
Protein change: p.Asp1476Ala; replaces aspartic acid 1476 with alanine.
Molecular consequence: missense variant. On other transcripts: non-coding transcript variant (9).
Genome position (GRCh38, 1-based): chrX:71,421,351, A>C. VCF-style: chrX-71421351-A-C. GRCh37 (hg19) VCF-style: chrX-70641201-A-C.
Other names: c.4427A>C, p.Asp1476Ala (NM_001286074.2); c.4364A>C, p.Asp1455Ala (NM_138923.4); short protein forms D1455A, D1476A.
Identifiers: ClinVar variation 417915 (VCV000417915.3), dbSNP rs1060499594, ClinGen allele CA16616945.